The following is an entry in ClinVar:

ClinVar aggregate classification (germline): Uncertain significance (1 of 4 stars; one submission).

Conditions:
Emery-Dreifuss muscular dystrophy 5, autosomal dominant (EDMD5). Also called: EMERY-DREIFUSS MUSCULAR DYSTROPHY 5. Identifiers: Orphanet 261, MedGen C2751805, MONDO:0013072, OMIM 612999.

gnomAD v4.1: 1 of 1,614,142 alleles (0.000062%); highest among the groups gnomAD compares: Admixed American, 0.0017%; no homozygotes.

Submission:

Labcorp Genetics (formerly Invitae), Labcorp
Classification: Uncertain significance for Emery-Dreifuss muscular dystrophy 5, autosomal dominant. Last evaluated: 2022-07-12. Review status: criteria provided, single submitter. Criteria: Invitae Variant Classification Sherloc (09022015). Collection method: clinical testing. Allele origin: germline.
Comment: This variant is present in population databases (rs558451144, gnomAD 0.003%). This sequence change replaces asparagine, which is neutral and polar, with histidine, which is basic and polar, at codon 2900 of the SYNE2 protein (p.Asn2900His). This variant has not been reported in the literature in individuals affected with SYNE2-related conditions. In summary, the available evidence is currently insufficient to determine the role of this variant in disease. Therefore, it has been classified as a Variant of Uncertain Significance. Algorithms developed to predict the effect of missense changes on protein structure and function are either unavailable or do not agree on the potential impact of this missense change (SIFT: "Tolerated"; PolyPhen-2: "Possibly Damaging"; Align-GVGD: "Class C0").

NM_182914.3(SYNE2):c.8698A>C (p.Asn2900His)

Gene: SYNE2 (spectrin repeat containing nuclear envelope protein 2; plus strand). Cytogenetic location: 14q23.2.
Variant type: single nucleotide variant.
Coding change: c.8698A>C on transcript NM_182914.3 (MANE Select); coding-DNA position 8698, A replaced by C.
Protein change: p.Asn2900His; replaces asparagine 2900 with histidine.
Molecular consequence: missense variant.
Genome position (GRCh38, 1-based): chr14:64,052,611, A>C. VCF-style: chr14-64052611-A-C. GRCh37 (hg19) VCF-style: chr14-64519329-A-C.
Other names: c.8698A>C, p.Asn2900His (NM_015180.6); short protein forms N2900H.
Identifiers: ClinVar variation 2413846 (VCV002413846.5), dbSNP rs558451144, ClinGen allele CA7221148.